The following is an entry in ClinVar:

NM_000540.3(RYR1):c.6254C>G (p.Ser2085Ter)

Gene: RYR1 (ryanodine receptor 1; plus strand). Cytogenetic location: 19q13.2.
Variant type: single nucleotide variant.
Coding change: c.6254C>G on transcript NM_000540.3 (MANE Select); coding-DNA position 6254, C replaced by G.
Protein change: p.Ser2085Ter; replaces serine 2085 with a stop codon.
Molecular consequence: nonsense.
Genome position (GRCh38, 1-based): chr19:38,492,616, C>G. VCF-style: chr19-38492616-C-G. GRCh37 (hg19) VCF-style: chr19-38983256-C-G.
Other names: c.6254C>G, p.Ser2085Ter (NM_001042723.2); short protein forms S2085*.
Identifiers: ClinVar variation 3074439 (VCV003074439.1), dbSNP rs549238688, ClinGen allele CA405662617.

ClinVar aggregate classification (germline): Uncertain significance (1 of 4 stars; one submission).

Conditions:
Malignant hyperthermia, susceptibility to, 1 (MHS1). Also called: Anesthesia related hyperthermia; Malignant hyperpyrexia; Fulminating hyperpyrexia; Pharmacogenic myopathy; RYR1-Related Malignant Hyperthermia Susceptibility; Malignant hyperthermia suceptibility 1. Identifiers: Orphanet 423, MedGen C2930980, MONDO:0007783, OMIM 145600.

Submission:

All of Us Research Program, National Institutes of Health
Classification: Uncertain significance for Malignant hyperthermia, susceptibility to, 1. Last evaluated: 2023-11-20. Review status: criteria provided, single submitter. Criteria: ACMG Guidelines, 2015. Collection method: clinical testing. Allele origin: germline. Inheritance: Autosomal dominant inheritance. Observed: 1 variant allele, 1 heterozygote.
Comment: This variant changes 1 nucleotide in exon 38 of the RYR1 gene, creating a premature translation stop signal. This variant is expected to result in an absent or non-functional protein product. To our knowledge, this variant has not been reported in individuals affected with RYR1-related disorders in the literature. This variant has not been identified in the general population by the Genome Aggregation Database (gnomAD). Loss of RYR1 function due to truncation variants is not an established disease mechanism for autosomal dominant malignant hyperthermia, although it is associated with other phenotype(s). Due to insufficient evidence, this variant is classified as a Variant of Uncertain Significance for autosomal dominant malignant hyperthermia.

This study involves interpretation of variants in research participants for the purpose of population health screening. Participant phenotype was not available at the time of variant classification. Additional details can be found in publication PMID: 35346344, PMCID: PMC8962531